The following is an entry in ClinVar:

ClinVar aggregate classification (germline): Uncertain significance (1 of 4 stars; one submission).

gnomAD v4.1: 1 of 152,212 alleles (0.00066%); highest among the groups gnomAD compares: Non-Finnish European, 0.0015%; no homozygotes.

Submission:

Institute for Human Genetics, University Hospital Essen
Classification: Uncertain significance. Last evaluated: 2025-11-27. Review status: criteria provided, single submitter. Criteria: Submitter's publication. Collection method: clinical testing. Allele origin: de novo. Inheritance: Autosomal unknown. Affected: yes. Observed: 1 variant allele, 1 heterozygote.
Comment: PS2_supp, PM1, PM2_supp (criteria rationale detailed in Leitão et al. Nature Genetics 2026)

NR_199791.1(RNU2-2):n.21C>G

Genes: RNU2-2 (RNA, U2 small nuclear 2; minus strand), WDR74 (WD repeat domain 74; minus strand). Cytogenetic location: 11q12.3.
Variant type: single nucleotide variant.
Molecular consequence: non-coding transcript variant (on NR_199791.1). On other transcripts: 5 prime UTR variant (1).
Genome position: GRCh38 VCF-style: chr11-62841789-G-C. GRCh37 (hg19) VCF-style: chr11-62609261-G-C.
Other names: c.-518C>G (NM_001369451.1).
Identifiers: ClinVar variation 4540463 (VCV004540463.1).